The following is an entry in ClinVar:

NM_006642.5(SDCCAG8):c.1744+2T>C

Gene: SDCCAG8 (SHH signaling and ciliogenesis regulator SDCCAG8; plus strand). Cytogenetic location: 1q43.
Variant type: single nucleotide variant.
Coding change: c.1744+2T>C on transcript NM_006642.5 (MANE Select); the canonical splice donor site of the intron after coding-DNA position 1744, T replaced by C.
Molecular consequence: splice donor variant.
Genome position (GRCh38, 1-based): chr1:243,415,831, T>C. VCF-style: chr1-243415831-T-C. GRCh37 (hg19) VCF-style: chr1-243579133-T-C.
Other names: c.1450+2T>C (NM_001350249.2); c.841+2T>C (NM_001350251.2, NM_001350246.2, NM_001350247.2); c.1840+2T>C (NM_001350248.2).
Identifiers: ClinVar variation 3351170 (VCV003351170.1).

ClinVar aggregate classification (germline): Likely pathogenic (0 of 4 stars; one submission).

Conditions:
SDCCAG8-related disorder. Also called: SDCCAG8-Related Disorders; SDCCAG8-related condition.

gnomAD v4.1: 1 of 1,612,976 alleles (0.000062%); highest among the groups gnomAD compares: Non-Finnish European, 0.000085%; no homozygotes.

Submission:

PreventionGenetics, part of Exact Sciences
Classification: Likely pathogenic for SDCCAG8-related condition. Last evaluated: 2024-05-20. Review status: no assertion criteria provided. Collection method: clinical testing. Allele origin: germline.
Comment: The SDCCAG8 c.1744+2T>C variant is predicted to disrupt the GT donor site and interfere with normal splicing. To our knowledge, this variant has not been reported in the literature or in a large population database, indicating this variant is rare. Variants that disrupt the consensus splice donor site in SDCCAG8 are expected to be pathogenic. This variant is interpreted as likely pathogenic.